The following is an entry in ClinVar:

ClinVar aggregate classification (germline): Uncertain significance. Review status: criteria provided, multiple submitters, no conflicts (2 of 4 stars). 2 submissions from 2 submitters: Uncertain significance (2). Last evaluated 2025-04-03.

Conditions:
ABCB4-related disorder. Also called: ABCB4-related disorders; ABCB4-related condition.

Allele frequency attached by ClinVar (database versions not stated): ExAC 0.00002; gnomAD exomes 0.00002 and 0.00003; gnomAD 0.00006 and 0.00007; TOPMed 0.00007; ESP Exome Variant Server 0.00015.
gnomAD v4.1: 18 of 1,613,966 alleles (0.0011%); highest among the groups gnomAD compares: African/African-American, 0.024%; no homozygotes.

Submissions (2):

PreventionGenetics, part of Exact Sciences
Classification: Uncertain significance for ABCB4-related condition. Last evaluated: 2025-04-03. Review status: criteria provided, single submitter. Criteria: ACMG Guidelines, 2015. Collection method: clinical testing. Allele origin: germline.
Comment: The ABCB4 c.3451G>A variant is predicted to result in the amino acid substitution p.Ala1151Thr. To our knowledge, this variant has not been reported in the literature. This variant is reported in 0.036% of alleles in individuals of African descent in gnomAD. At this time, the clinical significance of this variant is uncertain due to the absence of conclusive functional and genetic evidence.

Eurofins Ntd Llc (ga)
Classification: Uncertain significance. Last evaluated: 2018-04-19. Review status: criteria provided, single submitter. Criteria: EGL ClinVar v180209 classification definitions. Collection method: clinical testing. Allele origin: germline. Observed: 2 variant alleles, 2 heterozygotes.

NM_000443.4(ABCB4):c.3451G>A (p.Ala1151Thr)

Gene: ABCB4 (ATP binding cassette subfamily B member 4; minus strand). Cytogenetic location: 7q21.12.
Variant type: single nucleotide variant.
Coding change: c.3451G>A on transcript NM_000443.4 (MANE Select); coding-DNA position 3451, G replaced by A.
Protein change: p.Ala1151Thr; replaces alanine 1151 with threonine.
Molecular consequence: missense variant.
Genome position (GRCh38, 1-based): chr7:87,406,323, C>T on the plus strand (G>A on the coding strand, the complement: ABCB4 is on the minus strand). VCF-style: chr7-87406323-C-T. GRCh37 (hg19) VCF-style: chr7-87035639-C-T.
Other names: c.3451G>A (NM_000443.3); c.3472G>A, p.Ala1158Thr (NM_018849.3); c.3310G>A, p.Ala1104Thr (NM_018850.3); short protein forms A1151T, A1158T, A1104T.
Identifiers: ClinVar variation 501081 (VCV000501081.6), dbSNP rs138850786, ClinGen allele CA4326769.